The following is an entry in ClinVar:

ClinVar aggregate classification (germline): Uncertain significance (1 of 4 stars; one submission).

Allele frequency attached by ClinVar (database versions not stated): gnomAD exomes below 0.00001; TOPMed below 0.00001; gnomAD 0.00001.

Submission:

Labcorp Genetics (formerly Invitae), Labcorp
Classification: Uncertain significance. Last evaluated: 2021-09-01. Review status: criteria provided, single submitter. Criteria: Invitae Variant Classification Sherloc (09022015). Collection method: clinical testing. Allele origin: germline.
Comment: In summary, the available evidence is currently insufficient to determine the role of this variant in disease. Therefore, it has been classified as a Variant of Uncertain Significance. Algorithms developed to predict the effect of missense changes on protein structure and function (SIFT, PolyPhen-2, Align-GVGD) all suggest that this variant is likely to be tolerated. This variant has not been reported in the literature in individuals affected with GPAA1-related conditions. This variant is not present in population databases (ExAC no frequency). This sequence change replaces leucine with phenylalanine at codon 534 of the GPAA1 protein (p.Leu534Phe). The leucine residue is moderately conserved and there is a small physicochemical difference between leucine and phenylalanine.

NM_003801.4(GPAA1):c.1600C>T (p.Leu534Phe)

Gene: GPAA1 (glycosylphosphatidylinositol anchor attachment 1; plus strand). Cytogenetic location: 8q24.3.
Variant type: single nucleotide variant.
Coding change: c.1600C>T on transcript NM_003801.4 (MANE Select); coding-DNA position 1600, C replaced by T.
Protein change: p.Leu534Phe; replaces leucine 534 with phenylalanine.
Molecular consequence: missense variant.
Genome position (GRCh38, 1-based): chr8:144,085,721, C>T. VCF-style: chr8-144085721-C-T. GRCh37 (hg19) VCF-style: chr8-145140624-C-T.
Other names: short protein forms L534F.
Identifiers: ClinVar variation 1487789 (VCV001487789.4), dbSNP rs1554764285, ClinGen allele CA372507209.